The following is an entry in ClinVar:

ClinVar aggregate classification (germline): Pathogenic/Likely pathogenic. Review status: criteria provided, multiple submitters, no conflicts (2 of 4 stars). 5 submissions from 5 submitters: Pathogenic (1); Likely pathogenic (4). Last evaluated 2026-05-04.

Conditions:
Retinitis pigmentosa 88. Identifiers: MedGen C5394208, MONDO:0032940, OMIM 618826.
Occult macular dystrophy (OCMD). Also called: OMD; OCCULT MACULAR DYSTROPHY, SUSCEPTIBILITY TO. Identifiers: Orphanet 247834, MedGen C3150833, MONDO:0013316, OMIM 613587, HP:0030636.
RP1L1-related disorder. Also called: RP1L1-related condition.

Allele frequency attached by ClinVar (database versions not stated): ExAC 0.00003; gnomAD 0.00004 and 0.00005; TOPMed 0.00004; ESP Exome Variant Server 0.00008.
gnomAD v4.1: 69 of 1,612,472 alleles (0.0043%); highest among the groups gnomAD compares: Admixed American, 0.01%; no homozygotes.

Submissions (5):

PreventionGenetics, part of Exact Sciences
Classification: Likely pathogenic for RP1L1-related condition. Last evaluated: 2026-05-04. Review status: criteria provided, single submitter. Criteria: ACMG Guidelines, 2015. Collection method: clinical testing. Allele origin: germline.
Comment: The RP1L1 c.1189C>T variant is predicted to result in premature protein termination (p.Arg397*). To our knowledge, this variant has not been reported in the literature. This variant is reported in 0.012% of alleles in individuals of Latino descent in gnomAD. Nonsense variants in RP1L1 are expected to be pathogenic. This variant is interpreted as likely pathogenic.

3billion
Classification: Likely pathogenic for Retinitis pigmentosa 88. Last evaluated: 2023-10-30. Review status: criteria provided, single submitter. Criteria: ACMG Guidelines, 2015. Collection method: clinical testing. Allele origin: germline. Affected: yes.
Comment: The variant is observed at an extremely low frequency in the gnomAD v2.1.1 dataset (total allele frequency: 0.004%). Predicted Consequence/Location: Stop-gained (nonsense): predicted to result in a loss or disruption of normal protein function through protein truncation. The predicted truncated protein may be shortened by more than 10%. The variant has been reported at least twice as pathogenic without evidence for the classification (ClinVar ID: VCV000865995). Therefore, this variant is classified as Likely pathogenic according to the recommendation of ACMG/AMP guideline.

Blueprint Genetics
Classification: Pathogenic for RP1L1-related disorders. Last evaluated: 2023-05-17. Review status: criteria provided, single submitter. Criteria: ACMG Guidelines, 2015. Collection method: clinical testing. Allele origin: germline. Affected: yes. Observed: 5 variant alleles.

Genetics and Genomic Medicine Centre, NeuroGen Healthcare, NeuroGen Healthcare
Classification: Likely pathogenic for Occult macular dystrophy. Last evaluated: 2022-03-16. Review status: criteria provided, single submitter. Criteria: Submitter's publication. Collection method: clinical testing. Allele origin: unknown. Affected: no.

Fulgent Genetics
Classification: Likely pathogenic for Occult macular dystrophy; Retinitis pigmentosa 88. Last evaluated: 2021-09-24. Review status: criteria provided, single submitter. Criteria: ACMG Guidelines, 2015. Collection method: clinical testing. Allele origin: unknown.

NM_178857.6(RP1L1):c.1189C>T (p.Arg397Ter)

Gene: RP1L1 (RP1 like 1). Cytogenetic location: 8p23.1.
Variant type: single nucleotide variant.
Coding change: c.1189C>T on transcript NM_178857.6 (MANE Select); coding-DNA position 1189, C replaced by T.
Protein change: p.Arg397Ter; replaces arginine 397 with a stop codon.
Molecular consequence: nonsense.
Genome position (GRCh38, 1-based): chr8:10,612,909, G>A on the plus strand (C>T on the coding strand, the complement: RP1L1 is on the minus strand). VCF-style: chr8-10612909-G-A. GRCh37 (hg19) VCF-style: chr8-10470419-G-A.
Other names: short protein forms R397*.
Identifiers: ClinVar variation 865995 (VCV000865995.6), dbSNP rs371886218, ClinGen allele CA4625277.